The following is an entry in ClinVar:

ClinVar aggregate classification (germline): Pathogenic (1 of 4 stars; one submission).

Submission:

Labcorp Genetics (formerly Invitae), Labcorp
Classification: Pathogenic. Last evaluated: 2021-02-25. Review status: criteria provided, single submitter. Criteria: Invitae Variant Classification Sherloc (09022015). Collection method: clinical testing. Allele origin: germline.
Comment: This sequence change creates a premature translational stop signal (p.Ser445Valfs*19) in the ELP1 gene. It is expected to result in an absent or disrupted protein product. Loss-of-function variants in ELP1 are known to be pathogenic (PMID: 18303054, 24173031). This variant is not present in population databases (ExAC no frequency). This variant has not been reported in the literature in individuals with ELP1-related conditions. For these reasons, this variant has been classified as Pathogenic.

Literature cited by the submitters: PubMed 18303054; PubMed 24173031.

NM_003640.5(ELP1):c.1333del (p.Ser445fs)

Gene: ELP1 (elongator acetyltransferase complex subunit 1; minus strand). Cytogenetic location: 9q31.3.
Variant type: Deletion.
Coding change: c.1333del on transcript NM_003640.5 (MANE Select); coding-DNA position 1333, one base deleted (A; older notation c.1333delA).
Protein change: p.Ser445fs; shifts the reading frame from serine 445.
Molecular consequence: frameshift variant.
Genome position (GRCh38, 1-based): chr9:108,911,037, T deleted on the plus strand (A on the coding strand, the reverse complement: ELP1 is on the minus strand). VCF-style (leftmost placement, unchanged base first): chr9-108911036-CT-C. GRCh37 (hg19) VCF-style: chr9-111673316-CT-C.
Other names: c.991del, p.Ser331fs (NM_001318360.2); c.286del, p.Ser96fs (NM_001330749.2); short protein forms S331fs, S445fs, S96fs.
Identifiers: ClinVar variation 1451358 (VCV001451358.6), dbSNP rs2132013543, ClinGen allele CA2573143747.